The following is an entry in ClinVar:

NM_014140.4(SMARCAL1):c.2187A>C (p.Leu729Phe)

Gene: SMARCAL1 (SNF2 related chromatin remodeling annealing helicase 1; plus strand). Cytogenetic location: 2q35.
Variant type: single nucleotide variant.
Coding change: c.2187A>C on transcript NM_014140.4 (MANE Select); coding-DNA position 2187, A replaced by C.
Protein change: p.Leu729Phe; replaces leucine 729 with phenylalanine.
Molecular consequence: missense variant.
Genome position (GRCh38, 1-based): chr2:216,467,989, A>C. VCF-style: chr2-216467989-A-C. GRCh37 (hg19) VCF-style: chr2-217332712-A-C.
Other names: c.2187A>C, p.Leu729Phe (NM_001127207.2); short protein forms L729F.
Identifiers: ClinVar variation 3895755 (VCV003895755.1).

ClinVar aggregate classification (germline): Uncertain significance (1 of 4 stars; one submission).

Submission:

Women's Health and Genetics/Laboratory Corporation of America, LabCorp
Classification: Uncertain significance. Last evaluated: 2025-03-10. Review status: criteria provided, single submitter. Criteria: LabCorp Variant Classification Summary - May 2015. Collection method: clinical testing. Allele origin: germline.
Comment: Variant summary: SMARCAL1 c.2187A>C (p.Leu729Phe) results in a non-conservative amino acid change in the encoded protein sequence. Five of five in-silico tools predict a damaging effect of the variant on protein function. The variant was absent in 251412 control chromosomes. c.2187A>C has been reported in the literature in a homozygous individual affected with Steroid-resistant nephrotic syndrome (Sadowski_2015). These data indicate that the variant may be associated with disease. To our knowledge, no experimental evidence demonstrating an impact on protein function has been reported. The following publication have been ascertained in the context of this evaluation (PMID: 25349199). No submitters have cited clinical-significance assessments for this variant to ClinVar. Based on the evidence outlined above, the variant was classified as VUS-possibly pathogenic.

Literature cited by the submitters: PubMed 25349199.